The following is an entry in ClinVar:

NM_001003841.3(SLC6A19):c.640C>T (p.Arg214Cys)

Gene: SLC6A19 (solute carrier family 6 member 19; plus strand). Cytogenetic location: 5p15.33.
Variant type: single nucleotide variant.
Coding change: c.640C>T on transcript NM_001003841.3 (MANE Select); coding-DNA position 640, C replaced by T.
Protein change: p.Arg214Cys; replaces arginine 214 with cysteine.
Molecular consequence: missense variant.
Genome position (GRCh38, 1-based): chr5:1,212,461, C>T. VCF-style: chr5-1212461-C-T. GRCh37 (hg19) VCF-style: chr5-1212576-C-T.
Other names: p.Arg214Cys; short protein forms R214C.
Identifiers: ClinVar variation 1398252 (VCV001398252.6), dbSNP rs201070872, ClinGen allele CA3182787.

ClinVar aggregate classification (germline): Uncertain significance. Review status: criteria provided, multiple submitters, no conflicts (2 of 4 stars). 2 submissions from 2 submitters: Uncertain significance (2). Last evaluated 2024-07-31.

Allele frequency attached by ClinVar (database versions not stated): gnomAD 0.00001; TOPMed 0.00001; ESP Exome Variant Server 0.00008.
gnomAD v4.1: 35 of 1,608,812 alleles (0.0022%); highest among the groups gnomAD compares: Middle Eastern, 0.016%; no homozygotes.

Submissions (2):

Mayo Clinic Laboratories, Mayo Clinic
Classification: Uncertain significance. Last evaluated: 2024-07-31. Review status: criteria provided, single submitter. Criteria: ACMG Guidelines, 2015. Collection method: clinical testing. Allele origin: germline. Observed: 1 variant allele.
Comment: PP3, PM2

Labcorp Genetics (formerly Invitae), Labcorp
Classification: Uncertain significance. Last evaluated: 2021-08-30. Review status: criteria provided, single submitter. Criteria: Invitae Variant Classification Sherloc (09022015). Collection method: clinical testing. Allele origin: germline.
Comment: This sequence change replaces arginine with cysteine at codon 214 of the SLC6A19 protein (p.Arg214Cys). The arginine residue is highly conserved and there is a large physicochemical difference between arginine and cysteine. This variant is present in population databases (rs201070872, ExAC 0.01%). This variant has not been reported in the literature in individuals affected with SLC6A19-related conditions. Advanced modeling of protein sequence and biophysical properties (such as structural, functional, and spatial information, amino acid conservation, physicochemical variation, residue mobility, and thermodynamic stability) performed at Invitae indicates that this missense variant is expected to disrupt SLC6A19 protein function. In summary, the available evidence is currently insufficient to determine the role of this variant in disease. Therefore, it has been classified as a Variant of Uncertain Significance.